The following is an entry in ClinVar:

NM_000138.5(FBN1):c.7895T>A (p.Met2632Lys)

Gene: FBN1 (fibrillin 1; minus strand). Cytogenetic location: 15q21.1.
Variant type: single nucleotide variant.
Coding change: c.7895T>A on transcript NM_000138.5 (MANE Select); coding-DNA position 7895, T replaced by A.
Protein change: p.Met2632Lys; replaces methionine 2632 with lysine.
Molecular consequence: missense variant.
Genome position (GRCh38, 1-based): chr15:48,415,692, A>T on the plus strand (T>A on the coding strand, the complement: FBN1 is on the minus strand). VCF-style: chr15-48415692-A-T. GRCh37 (hg19) VCF-style: chr15-48707889-A-T.
Other names: c.7895T>A, p.Met2632Lys (NM_001406716.1); short protein forms M2632K.
Identifiers: ClinVar variation 5002975 (VCV005002975.1).

ClinVar aggregate classification (germline): Uncertain significance (1 of 4 stars; one submission).

Conditions:
Acromicric dysplasia (ACMICD). Also called: Acromicric skeletal dysplasia. Identifiers: Orphanet 969, MedGen C0265287, MONDO:0007055, OMIM 102370.

Submission:

OLLIN Analises Genomicas, OLLIN
Classification: Uncertain significance for Acromicric dysplasia. Last evaluated: 2026-08-06. Review status: criteria provided, single submitter. Criteria: ACMG Guidelines 2015 PMID 25741868. Collection method: clinical testing. Allele origin: germline. Inheritance: Autosomal dominant inheritance.
Comment: This missense variant, located in exon 64 (of 66), is absent from gnomAD and ClinVar and has not been identified in the literature. In silico analysis is inconclusive regarding the impact of this variant. This gene is constrained for missense variation. According to the currently available evidence, this variant has been classified as uncertain significance (PM2_P, PP2).